The following is an entry in ClinVar:

ClinVar aggregate classification (germline): Likely pathogenic (1 of 4 stars; one submission).

Conditions:
Hereditary cancer-predisposing syndrome. Also called: Neoplastic Syndromes, Hereditary; Tumor predisposition; Hereditary Cancer Syndrome; Hereditary neoplastic syndrome. Identifiers: Orphanet 140162, MedGen C0027672, MeSH D009386, MONDO:0015356.

Submission:

Ambry Genetics
Classification: Likely pathogenic for Hereditary cancer-predisposing syndrome. Last evaluated: 2021-07-09. Review status: criteria provided, single submitter. Criteria: Ambry Variant Classification Scheme 2023. Collection method: clinical testing. Allele origin: germline.
Comment: The c.102_114dup13 variant, located in coding exon 1 of the SMARCA4 gene, results from a duplication of CTCGCCGGGCTCC at nucleotide position 102, causing a translational frameshift with a predicted alternate stop codon (p.A39Lfs*47). Premature termination codons in the 5&rsquo; end of a gene have been reported to escape nonsense-mediated mRNAdecay and/or lead to re-initiation (Rivas et al. Science. 2015 May 8;348(6235):666-9; Lindeboom et al. Nat Genet. 2016 Oct;48(10):1112-8; Rhee et al. Sci Rep. 2017 May 10;7(1):1653). Direct evidence for this alteration is unavailable, however premature termination codons are typically deleterious in nature. Loss-of-function variants in SMARCA4 are known to cause rhabdoid tumor predisposition syndrome including small cell carcinoma of the ovary-hypercalcemic type (SCCOHT); however, such associations with neurodevelopmental disorders are exceedingly rare (Kosho T et al. Am J Med Genet C Semin Med Genet. 2014 Sep;166C(3):262-75; Jelinic P et al. Nat Genet. 2014 May;46(5):424-6). This variant is considered to be rare based on population cohorts in the Genome Aggregation Database (gnomAD). Based on the supporting evidence, this alteration is likely pathogenic for rhabdoid tumor predisposition syndrome; however, the association of this alteration with Coffin-Siris syndrome is unlikely.

NM_003072.5(SMARCA4):c.102_114dup (p.Ala39fs)

Gene: SMARCA4 (SWI/SNF related BAF chromatin remodeling complex subunit ATPase 4; plus strand). Cytogenetic location: 19p13.2.
Variant type: Duplication.
Coding change: c.102_114dup on transcript NM_003072.5 (MANE Select); coding-DNA positions 102 to 114, 13 bases duplicated (CTCGCCGGGCTCC).
Protein change: p.Ala39fs; shifts the reading frame from alanine 39.
Molecular consequence: frameshift variant. On other transcripts: non-coding transcript variant (1).
Genome position (GRCh38, 1-based): chr19:10,984,253-10,984,265, CTCGCCGGGCTCC duplicated; duplicating any 13 consecutive bases within chr19:10,984,250-10,984,265 gives the same sequence; the c. name uses the placement nearest the transcript's 3' end. VCF-style (leftmost placement, unchanged base first): chr19-10984249-G-GTCCCTCGCCGGGC. GRCh37 (hg19) VCF-style: chr19-11094925-G-GTCCCTCGCCGGGC.
Other names: c.102_114dup, p.Ala39fs (NM_001128844.3, NM_001128845.2, NM_001128846.2 and 5 more transcripts); c.102_114dup, p.Ala39Leufs (NM_001411150.1); short protein forms A39fs.
Identifiers: ClinVar variation 1756773 (VCV001756773.2), dbSNP rs913673846, ClinGen allele CA305285699.